The following is an entry in ClinVar:

NM_006563.5(KLF1):c.325C>T (p.Pro109Ser)

Gene: KLF1 (KLF transcription factor 1; minus strand). Cytogenetic location: 19p13.13.
Variant type: single nucleotide variant.
Coding change: c.325C>T on transcript NM_006563.5 (MANE Select); coding-DNA position 325, C replaced by T.
Protein change: p.Pro109Ser; replaces proline 109 with serine.
Molecular consequence: missense variant.
Genome position (GRCh38, 1-based): chr19:12,885,905, G>A on the plus strand (C>T on the coding strand, the complement: KLF1 is on the minus strand). VCF-style: chr19-12885905-G-A. GRCh37 (hg19) VCF-style: chr19-12996719-G-A.
Other names: p.Pro109Ser; short protein forms P109S.
Identifiers: ClinVar variation 328320 (VCV000328320.18), dbSNP rs117351327, ClinGen allele CA9234053.

ClinVar aggregate classification (germline): Benign/Likely benign. Review status: criteria provided, multiple submitters, no conflicts (2 of 4 stars). 5 submissions from 5 submitters: Benign (3); Likely benign (1). 1 of the submissions does not count toward it. Last evaluated 2026-01-24.

Conditions:
KLF1-related disorder. Also called: KLF1-Related Disorders; KLF1-related condition.
Anemia, congenital dyserythropoietic, type IVa. Also called: Congenital dyserythropoietic anemia type 4; Congenital dyserythropoietic anemia, type IV; CDA, TYPE IVa. Identifiers: Orphanet 293825, MedGen C3150926, MONDO:0013355, OMIM 613673.

Allele frequency attached by ClinVar (database versions not stated): gnomAD exomes 0.00577 and 0.00202; TOPMed 0.00312; 1000 Genomes Project 0.01577; ExAC 0.00395; gnomAD 0.00179 and 0.00264; 1000 Genomes Project 30x 0.01483.

Submissions (5):

Labcorp Genetics (formerly Invitae), Labcorp
Classification: Benign. Last evaluated: 2026-01-24. Review status: criteria provided, single submitter. Criteria: Invitae Variant Classification Sherloc (09022015). Collection method: clinical testing. Allele origin: germline.

Mayo Clinic Laboratories, Mayo Clinic
Classification: Likely benign. Last evaluated: 2025-03-04. Review status: criteria provided, single submitter. Criteria: ACMG Guidelines, 2015. Collection method: clinical testing. Allele origin: germline. Observed: 13 variant alleles.

Illumina Laboratory Services, Illumina
Classification: Benign for Anemia, congenital dyserythropoietic, type IVa. Last evaluated: 2018-01-12. Review status: criteria provided, single submitter. Criteria: ICSL Variant Classification Criteria 13 December 2019. Collection method: clinical testing. Allele origin: germline.
Comment: This variant was observed in the ICSL laboratory as part of a predisposition screen in an ostensibly healthy population. It had not been previously curated by ICSL or reported in the Human Gene Mutation Database (HGMD: prior to June 1st, 2018), and was therefore a candidate for classification through an automated scoring system. Utilizing variant allele frequency, disease prevalence and penetrance estimates, and inheritance mode, an automated score was calculated to assess if this variant is too frequent to cause the disease. Based on the score and internal cut-off values, a variant classified as benign is not then subjected to further curation. The score for this variant resulted in a classification of benign for this disease.

Breakthrough Genomics
Classification: Benign. Review status: criteria provided, single submitter. Criteria: ACMG Guidelines, 2015. Collection method: not provided. Allele origin: germline. Inheritance: Autosomal dominant inheritance. Affected: yes.

PreventionGenetics, part of Exact Sciences
Classification: Benign for KLF1-related condition. Last evaluated: 2019-03-22. Review status: no assertion criteria provided. Collection method: clinical testing. Allele origin: germline. Not counted in ClinVar's aggregate classification.
Comment: This variant is classified as benign based on ACMG/AMP sequence variant interpretation guidelines (Richards et al. 2015 PMID: 25741868, with internal and published modifications).